The following is an entry in ClinVar:

NM_001040108.2(MLH3):c.3917T>C (p.Leu1306Pro)

Gene: MLH3 (mutL homolog 3; minus strand). Cytogenetic location: 14q24.3.
Variant type: single nucleotide variant.
Coding change: c.3917T>C on transcript NM_001040108.2 (MANE Select); coding-DNA position 3917, T replaced by C.
Protein change: p.Leu1306Pro; replaces leucine 1306 with proline.
Molecular consequence: missense variant.
Genome position (GRCh38, 1-based): chr14:75,030,613, A>G on the plus strand (T>C on the coding strand, the complement: MLH3 is on the minus strand). VCF-style: chr14-75030613-A-G. GRCh37 (hg19) VCF-style: chr14-75497316-A-G.
Other names: c.3845T>C, p.Leu1282Pro (NM_014381.3); short protein forms L1282P, L1306P.
Identifiers: ClinVar variation 1736153 (VCV001736153.4), dbSNP rs761034275, ClinGen allele CA7275300.

ClinVar aggregate classification (germline): Uncertain significance. Review status: criteria provided, multiple submitters, no conflicts (2 of 4 stars). 2 submissions from 2 submitters: Uncertain significance (2). Last evaluated 2025-12-29.

Allele frequency attached by ClinVar (database versions not stated): TOPMed below 0.00001; gnomAD 0.00001; gnomAD exomes 0.00001; ExAC 0.00002.

Submissions (2):

Center for Genomic Medicine, Rigshospitalet, Copenhagen University Hospital
Classification: Uncertain significance. Last evaluated: 2025-12-29. Review status: criteria provided, single submitter. Criteria: ACMG Guidelines, 2015. Collection method: clinical testing. Allele origin: germline.

Ambry Genetics
Classification: Uncertain significance. Last evaluated: 2025-01-02. Review status: criteria provided, single submitter. Criteria: Ambry Variant Classification Scheme 2023. Collection method: clinical testing. Allele origin: germline.
Comment: The p.L1306P variant (also known as c.3917T>C), located in coding exon 8 of the MLH3 gene, results from a T to C substitution at nucleotide position 3917. The leucine at codon 1306 is replaced by proline, an amino acid with similar properties. This amino acid position is conserved. In addition, this alteration is predicted to be deleterious by in silico analysis. Since supporting evidence is limited at this time, the clinical significance of this alteration remains unclear.